The following is an entry in ClinVar:

NM_004415.4(DSP):c.2353A>C (p.Lys785Gln)

Gene: DSP (desmoplakin; plus strand). Cytogenetic location: 6p24.3.
Variant type: single nucleotide variant.
Coding change: c.2353A>C on transcript NM_004415.4 (MANE Select); coding-DNA position 2353, A replaced by C.
Protein change: p.Lys785Gln; replaces lysine 785 with glutamine.
Molecular consequence: missense variant.
Genome position (GRCh38, 1-based): chr6:7,574,712, A>C. VCF-style: chr6-7574712-A-C. GRCh37 (hg19) VCF-style: chr6-7574945-A-C.
Other names: c.2353A>C, p.Lys785Gln (NM_001008844.3, NM_001319034.2); short protein forms K785Q.
Identifiers: ClinVar variation 924616 (VCV000924616.6), dbSNP rs1759181057, ClinGen allele CA362681136.

ClinVar aggregate classification (germline): Uncertain significance. Review status: criteria provided, multiple submitters, no conflicts (2 of 4 stars). 2 submissions from 2 submitters: Uncertain significance (2). Last evaluated 2026-07-07.

Conditions:
Cardiomyopathy (CMYO). Also called: Cardiomyopathies. Identifiers: Orphanet 167848, MedGen C0878544, MONDO:0004994, HP:0001638. Inheritance: Various modes of inheritance.
Cardiovascular phenotype. Identifiers: MedGen CN230736.

Submissions (2):

Ambry Genetics
Classification: Uncertain significance for Cardiovascular phenotype. Last evaluated: 2026-07-07. Review status: criteria provided, single submitter. Criteria: Ambry Variant Classification Scheme 2023. Collection method: clinical testing. Allele origin: germline.
Comment: The p.K785Q variant (also known as c.2353A>C), located in coding exon 17 of the DSP gene, results from an A to C substitution at nucleotide position 2353. The lysine at codon 785 is replaced by glutamine, an amino acid with similar properties. This amino acid position is conserved. In addition, the in silico prediction for this alteration is inconclusive. Based on the available evidence, the clinical significance of this variant remains unclear.

Color Diagnostics, LLC DBA Color Health
Classification: Uncertain significance for Cardiomyopathy. Last evaluated: 2023-12-04. Review status: criteria provided, single submitter. Criteria: ACMG Guidelines, 2015. Collection method: clinical testing. Allele origin: germline.
Comment: Variant of Uncertain Significance due to insufficient evidence: This missense variant is located in the spectrin repeat 8 of the plakin domain of the DSP protein. Computational prediction tools and conservation analyses are inconclusive regarding the impact of this variant on the protein function. Computational splicing tools suggest that this variant may not impact RNA splicing. To our knowledge, functional assays have not been performed for this variant nor has this variant been reported in individuals affected with cardiovascular disorders in the literature. This variant is rare in the general population and has been identified in 0/277264 chromosomes by the Genome Aggregation Database (gnomAD). Available evidence is insufficient to determine the pathogenicity of this variant conclusively.